The following is an entry in ClinVar:

ClinVar aggregate classification (germline): Uncertain significance (1 of 4 stars; one submission).

Conditions:
Familial focal epilepsy with variable foci (FPEVF). Identifiers: Orphanet 98820, MedGen C1858477, MONDO:0020310.

gnomAD v4.1: 3 of 1,606,504 alleles (0.00019%); highest among the groups gnomAD compares: Non-Finnish European, 0.00026%; no homozygotes.

Submission:

Labcorp Genetics (formerly Invitae), Labcorp
Classification: Uncertain significance for Familial focal epilepsy with variable foci. Last evaluated: 2022-04-11. Review status: criteria provided, single submitter. Criteria: Invitae Variant Classification Sherloc (09022015). Collection method: clinical testing. Allele origin: germline.
Comment: This variant is not present in population databases (gnomAD no frequency). This sequence change replaces valine, which is neutral and non-polar, with phenylalanine, which is neutral and non-polar, at codon 231 of the DEPDC5 protein (p.Val231Phe). In summary, the available evidence is currently insufficient to determine the role of this variant in disease. Therefore, it has been classified as a Variant of Uncertain Significance. Algorithms developed to predict the effect of missense changes on protein structure and function are either unavailable or do not agree on the potential impact of this missense change (SIFT: "Deleterious"; PolyPhen-2: "Not Available"; Align-GVGD: "Class C0"). This variant has not been reported in the literature in individuals affected with DEPDC5-related conditions.

NM_001242896.3(DEPDC5):c.691G>T (p.Val231Phe)

Gene: DEPDC5 (DEP domain containing 5, GATOR1 subcomplex subunit; plus strand). Cytogenetic location: 22q12.2.
Variant type: single nucleotide variant.
Coding change: c.691G>T on transcript NM_001242896.3 (MANE Select); coding-DNA position 691, G replaced by T.
Protein change: p.Val231Phe; replaces valine 231 with phenylalanine.
Molecular consequence: missense variant. On other transcripts: non-coding transcript variant (5).
Genome position (GRCh38, 1-based): chr22:31,792,099, G>T. VCF-style: chr22-31792099-G-T. GRCh37 (hg19) VCF-style: chr22-32188085-G-T.
Other names: c.691G>T, p.Val231Phe (NM_001007188.4, NM_001136029.4, NM_001242897.2 and 7 more transcripts); c.607G>T, p.Val203Phe (NM_001369901.1, NM_001369902.1); short protein forms V231F, V203F.
Identifiers: ClinVar variation 2190146 (VCV002190146.4), dbSNP rs1312233859, ClinGen allele CA411288586.